The following is an entry in ClinVar:

ClinVar aggregate classification (germline): Uncertain significance. Review status: criteria provided, multiple submitters, no conflicts (2 of 4 stars). 2 submissions from 2 submitters: Uncertain significance (2). Last evaluated 2024-10-12.

Conditions:
Hereditary cancer-predisposing syndrome. Also called: Neoplastic Syndromes, Hereditary; Hereditary neoplastic syndrome; Tumor predisposition; Hereditary Cancer Syndrome. Identifiers: Orphanet 140162, MedGen C0027672, MeSH D009386, MONDO:0015356.
Microcephaly, normal intelligence and immunodeficiency (NBS). Also called: Microcephaly with normal intelligence immunodeficiency and lymphoreticular malignancies; Nonsyndromal microcephaly autosomal recessive with normal intelligence; Seemanova syndrome 2; Immunodeficiency, microcephaly with normal intelligence; SEEMANOVA SYNDROME II; Ataxia telangiectasia variant V1. Identifiers: Orphanet 647, MedGen C0398791, MONDO:0009623, OMIM 251260.

Submissions (2):

Ambry Genetics
Classification: Uncertain significance for Hereditary cancer-predisposing syndrome. Last evaluated: 2024-10-12. Review status: criteria provided, single submitter. Criteria: Ambry Variant Classification Scheme 2023. Collection method: clinical testing. Allele origin: germline.
Comment: The p.A115T variant (also known as c.343G>A), located in coding exon 4 of the NBN gene, results from a G to A substitution at nucleotide position 343. The alanine at codon 115 is replaced by threonine, an amino acid with similar properties. This alteration was detected in 1/5589 German BRCA1/2-negative probands with breast cancer (Hauke J et al. Cancer Med, 2018 04;7:1349-1358). This amino acid position is not well conserved in available vertebrate species. In addition, this alteration is predicted to be tolerated by in silico analysis. Since supporting evidence is limited at this time, the clinical significance of this alteration remains unclear.

Labcorp Genetics (formerly Invitae), Labcorp
Classification: Uncertain significance for Microcephaly, normal intelligence and immunodeficiency. Last evaluated: 2021-08-28. Review status: criteria provided, single submitter. Criteria: Invitae Variant Classification Sherloc (09022015). Collection method: clinical testing. Allele origin: germline.
Comment: This sequence change replaces alanine with threonine at codon 115 of the NBN protein (p.Ala115Thr). The alanine residue is weakly conserved and there is a small physicochemical difference between alanine and threonine. This variant is not present in population databases (ExAC no frequency). This variant has not been reported in the literature in individuals affected with NBN-related conditions. Algorithms developed to predict the effect of missense changes on protein structure and function output the following: SIFT: "Tolerated"; PolyPhen-2: "Benign"; Align-GVGD: "Class C0". The threonine amino acid residue is found in multiple mammalian species, which suggests that this missense change does not adversely affect protein function. In summary, the available evidence is currently insufficient to determine the role of this variant in disease. Therefore, it has been classified as a Variant of Uncertain Significance.

Literature cited by the submitters: PubMed 29522266 (cited by Ambry Genetics).

NM_002485.5(NBN):c.343G>A (p.Ala115Thr)

Gene: NBN (nibrin; minus strand). Cytogenetic location: 8q21.3.
Variant type: single nucleotide variant.
Coding change: c.343G>A on transcript NM_002485.5 (MANE Select); coding-DNA position 343, G replaced by A.
Protein change: p.Ala115Thr; replaces alanine 115 with threonine.
Molecular consequence: missense variant.
Genome position (GRCh38, 1-based): chr8:89,980,871, C>T on the plus strand (G>A on the coding strand, the complement: NBN is on the minus strand). VCF-style: chr8-89980871-C-T. GRCh37 (hg19) VCF-style: chr8-90993099-C-T.
Other names: c.97G>A, p.Ala33Thr (NM_001024688.3); short protein forms A115T, A33T.
Identifiers: ClinVar variation 661892 (VCV000661892.9), dbSNP rs876658434, ClinGen allele CA371662122.